The following is an entry in ClinVar:

NM_000238.4(KCNH2):c.941G>A (p.Gly314Asp)

Gene: KCNH2 (potassium voltage-gated channel subfamily H member 2; minus strand). Cytogenetic location: 7q36.1.
Variant type: single nucleotide variant.
Coding change: c.941G>A on transcript NM_000238.4 (MANE Select); coding-DNA position 941, G replaced by A.
Protein change: p.Gly314Asp; replaces glycine 314 with aspartic acid.
Molecular consequence: missense variant.
Genome position (GRCh38, 1-based): chr7:150,957,478, C>T on the plus strand (G>A on the coding strand, the complement: KCNH2 is on the minus strand). VCF-style: chr7-150957478-C-T. GRCh37 (hg19) VCF-style: chr7-150654566-C-T.
Other names: c.653G>A, p.Gly218Asp (NM_001406753.1, NM_001406756.1); c.764G>A, p.Gly255Asp (NM_001406755.1); c.641G>A, p.Gly214Asp (NM_001406757.1); c.941G>A, p.Gly314Asp (NM_172056.3); short protein forms G314D, G255D, G214D, G218D.
Identifiers: ClinVar variation 925690 (VCV000925690.9), dbSNP rs1801414464, ClinGen allele CA369861881.

ClinVar aggregate classification (germline): Uncertain significance. Review status: criteria provided, multiple submitters, no conflicts (2 of 4 stars). 2 submissions from 2 submitters: Uncertain significance (2). Last evaluated 2024-03-07.

Conditions:
Cardiovascular phenotype. Identifiers: MedGen CN230736.
Cardiac arrhythmia. Also called: Cardiac rhythm disease; Arrhythmia. Identifiers: MedGen C0003811, MONDO:0007263, HP:0011675.

Submissions (2):

Color Diagnostics, LLC DBA Color Health
Classification: Uncertain significance for Cardiac arrhythmia. Last evaluated: 2024-03-07. Review status: criteria provided, single submitter. Criteria: ACMG Guidelines, 2015. Collection method: clinical testing. Allele origin: germline.
Comment: This missense variant replaces glycine with aspartic acid at codon 314 of the KCNH2 protein. Computational prediction tool is inconclusive regarding the impact of this variant on protein structure and function (internally defined REVEL score threshold 0.5 < inconclusive < 0.7, PMID: 27666373). Splice site prediction tools suggest that this variant may not impact RNA splicing. To our knowledge, functional studies have not been performed for this variant. This variant has not been reported in individuals affected with cardiovascular disorders in the literature. This variant has not been identified in the general population by the Genome Aggregation Database (gnomAD). The available evidence is insufficient to determine the role of this variant in disease conclusively. Therefore, this variant is classified as a Variant of Uncertain Significance.

Ambry Genetics
Classification: Uncertain significance for Cardiovascular phenotype. Last evaluated: 2023-04-10. Review status: criteria provided, single submitter. Criteria: Ambry Variant Classification Scheme 2023. Collection method: clinical testing. Allele origin: germline.
Comment: The p.G314D variant (also known as c.941G>A), located in coding exon 5 of the KCNH2 gene, results from a G to A substitution at nucleotide position 941. The glycine at codon 314 is replaced by aspartic acid, an amino acid with similar properties. This amino acid position is not well conserved in available vertebrate species. In addition, this alteration is predicted to be deleterious by in silico analysis. Since supporting evidence is limited at this time, the clinical significance of this alteration remains unclear.